The following is an entry in ClinVar:

ClinVar aggregate classification (germline): Uncertain significance (1 of 4 stars; one submission).

Submission:

Labcorp Genetics (formerly Invitae), Labcorp
Classification: Uncertain significance. Last evaluated: 2021-12-24. Review status: criteria provided, single submitter. Criteria: Invitae Variant Classification Sherloc (09022015). Collection method: clinical testing. Allele origin: germline.
Comment: This sequence change replaces valine, which is neutral and non-polar, with methionine, which is neutral and non-polar, at codon 125 of the PCDH15 protein (p.Val125Met). This variant is not present in population databases (gnomAD no frequency). This variant has not been reported in the literature in individuals affected with PCDH15-related conditions. Algorithms developed to predict the effect of missense changes on protein structure and function are either unavailable or do not agree on the potential impact of this missense change (SIFT: "Deleterious"; PolyPhen-2: "Probably Damaging"; Align-GVGD: "Class C0"). In summary, the available evidence is currently insufficient to determine the role of this variant in disease. Therefore, it has been classified as a Variant of Uncertain Significance.

NM_001384140.1(PCDH15):c.373G>A (p.Val125Met)

Gene: PCDH15 (protocadherin related 15; minus strand). Cytogenetic location: 10q21.1.
Variant type: single nucleotide variant.
Coding change: c.373G>A on transcript NM_001384140.1 (MANE Select); coding-DNA position 373, G replaced by A.
Protein change: p.Val125Met; replaces valine 125 with methionine.
Molecular consequence: missense variant.
Genome position (GRCh38, 1-based): chr10:54,369,221, C>T on the plus strand (G>A on the coding strand, the complement: PCDH15 is on the minus strand). VCF-style: chr10-54369221-C-T. GRCh37 (hg19) VCF-style: chr10-56128981-C-T.
Other names: c.388G>A, p.Val130Met (NM_001142763.2, NM_001142769.4, NM_001142771.2); c.373G>A, p.Val125Met (NM_001142764.2, NM_001142765.2, NM_001142766.2 and 8 more transcripts); c.307G>A, p.Val103Met (NM_001142768.2, NM_001142773.2, NM_001354404.2); short protein forms V103M, V125M, V130M.
Identifiers: ClinVar variation 2175955 (VCV002175955.1), dbSNP rs2134716233, ClinGen allele CA376542279.
Genomic context (GRCh38, chr10:54,369,221, plus strand): 5'-GTGAGTTGTCATTCCTGTCTCTCACCACTATTCGCACTTCATGGTAGATAATAGTGCCCA[C>T]TTTTTTGTTGATGCACTGGACCTGCACCACAATGGAGTGTATGTTCATCGGTGGCTGCAA-3'
Protein context (NP_001371069.1, residues 115-135): VVQVQCINKK[Val125Met]GTIIYHEVRI